The following is an entry in ClinVar:

NM_000090.4(COL3A1):c.2866C>T (p.Arg956Trp)

Gene: COL3A1 (collagen type III alpha 1 chain; plus strand). Cytogenetic location: 2q32.2.
Variant type: single nucleotide variant.
Coding change: c.2866C>T on transcript NM_000090.4 (MANE Select); coding-DNA position 2866, C replaced by T.
Protein change: p.Arg956Trp; replaces arginine 956 with tryptophan.
Molecular consequence: missense variant.
Genome position (GRCh38, 1-based): chr2:189,004,299, C>T. VCF-style: chr2-189004299-C-T. GRCh37 (hg19) VCF-style: chr2-189869025-C-T.
Other names: short protein forms R956W.
Identifiers: ClinVar variation 3386476 (VCV003386476.2).

ClinVar aggregate classification (germline): Uncertain significance. Review status: criteria provided, multiple submitters, no conflicts (2 of 4 stars). 2 submissions from 2 submitters: Uncertain significance (2). Last evaluated 2025-08-12.

Conditions:
Ehlers-Danlos syndrome, type 4 (EDSVASC). Also called: Ehlers-Danlos syndrome vascular type; Ehlers Danlos syndrome, ecchymotic type; Ehlers Danlos syndrome, arterial type; Ehlers Danlos syndrome, Sack-Barabas type; Ehlers-Danlos Syndrome Type IV. Identifiers: Orphanet 286, MedGen C0268338, MONDO:0017314, OMIM 130050.

Submissions (2):

GeneDx
Classification: Uncertain significance. Last evaluated: 2025-08-12. Review status: criteria provided, single submitter. Criteria: GeneDx Variant Classification Process June 2021. Collection method: clinical testing. Allele origin: germline. Affected: yes.
Comment: Not observed at significant frequency in large population cohorts (gnomAD); In silico analysis supports that this missense variant has a deleterious effect on protein structure/function; Has not been previously published as pathogenic or benign to our knowledge

All of Us Research Program, National Institutes of Health
Classification: Uncertain significance for Ehlers-Danlos syndrome, type 4. Last evaluated: 2024-09-11. Review status: criteria provided, single submitter. Criteria: ACMG Guidelines, 2015. Collection method: clinical testing. Allele origin: germline. Inheritance: Autosomal dominant inheritance. Observed: 1 variant allele, 1 heterozygote.
Comment: This study involves interpretation of variants in research participants for the purpose of population health screening. Participant phenotype was not available at the time of variant classification. Additional details can be found in publication PMID: 35346344, PMCID: PMC8962531